The following is an entry in ClinVar:

NM_022725.4(FANCF):c.49G>A (p.Val17Ile)

Gene: FANCF (FA complementation group F; minus strand). Cytogenetic location: 11p14.3.
Variant type: single nucleotide variant.
Coding change: c.49G>A on transcript NM_022725.4 (MANE Select); coding-DNA position 49, G replaced by A.
Protein change: p.Val17Ile; replaces valine 17 with isoleucine.
Molecular consequence: missense variant.
Genome position (GRCh38, 1-based): chr11:22,625,762, C>T on the plus strand (G>A on the coding strand, the complement: FANCF is on the minus strand). VCF-style: chr11-22625762-C-T. GRCh37 (hg19) VCF-style: chr11-22647308-C-T.
Other names: short protein forms V17I.
Identifiers: ClinVar variation 2905062 (VCV002905062.3), dbSNP rs758897077, ClinGen allele CA219086672.

ClinVar aggregate classification (germline): Uncertain significance (1 of 4 stars; one submission).

Conditions:
Fanconi anemia (FA). Also called: Fanconi's anemia. Identifiers: Orphanet 84, MedGen C0015625, MeSH D005199, MONDO:0019391.

Allele frequency attached by ClinVar (database versions not stated): TOPMed below 0.00001; gnomAD 0.00001.

Submission:

Labcorp Genetics (formerly Invitae), Labcorp
Classification: Uncertain significance for Fanconi anemia. Last evaluated: 2025-09-03. Review status: criteria provided, single submitter. Criteria: Invitae Variant Classification Sherloc (09022015). Collection method: clinical testing. Allele origin: germline.
Comment: This sequence change replaces valine, which is neutral and non-polar, with isoleucine, which is neutral and non-polar, at codon 17 of the FANCF protein (p.Val17Ile). This variant is present in population databases (rs758897077, gnomAD 0.007%). This variant has not been reported in the literature in individuals affected with FANCF-related conditions. ClinVar contains an entry for this variant (Variation ID: 2905062). Invitae Evidence Modeling of protein sequence and biophysical properties (such as structural, functional, and spatial information, amino acid conservation, physicochemical variation, residue mobility, and thermodynamic stability) indicates that this missense variant is not expected to disrupt FANCF protein function with a negative predictive value of 80%. In summary, the available evidence is currently insufficient to determine the role of this variant in disease. Therefore, it has been classified as a Variant of Uncertain Significance.